The following is an entry in ClinVar:

NM_001040108.2(MLH3):c.2733G>T (p.Leu911Phe)

Gene: MLH3 (mutL homolog 3; minus strand). Cytogenetic location: 14q24.3.
Variant type: single nucleotide variant.
Coding change: c.2733G>T on transcript NM_001040108.2 (MANE Select); coding-DNA position 2733, G replaced by T.
Protein change: p.Leu911Phe; replaces leucine 911 with phenylalanine.
Molecular consequence: missense variant.
Genome position (GRCh38, 1-based): chr14:75,046,923, C>A on the plus strand (G>T on the coding strand, the complement: MLH3 is on the minus strand). VCF-style: chr14-75046923-C-A. GRCh37 (hg19) VCF-style: chr14-75513626-C-A.
Other names: c.2733G>T, p.Leu911Phe (NM_014381.3); short protein forms L911F.
Identifiers: ClinVar variation 1795313 (VCV001795313.3), dbSNP rs1417357956, ClinGen allele CA390438794.

ClinVar aggregate classification (germline): Uncertain significance (1 of 4 stars; one submission).

Allele frequency attached by ClinVar (database versions not stated): gnomAD exomes below 0.00001; TOPMed below 0.00001; gnomAD 0.00001.
gnomAD v4.1: 2 of 1,613,822 alleles (0.00012%); highest among the groups gnomAD compares: Non-Finnish European, 0.00017%; no homozygotes.

Submission:

Ambry Genetics
Classification: Uncertain significance. Last evaluated: 2023-09-04. Review status: criteria provided, single submitter. Criteria: Ambry Variant Classification Scheme 2023. Collection method: clinical testing. Allele origin: germline.
Comment: The p.L911F variant (also known as c.2733G>T), located in coding exon 1 of the MLH3 gene, results from a G to T substitution at nucleotide position 2733. The leucine at codon 911 is replaced by phenylalanine, an amino acid with highly similar properties. This amino acid position is conserved. In addition, this alteration is predicted to be tolerated by in silico analysis. Since supporting evidence is limited at this time, the clinical significance of this alteration remains unclear.